The following is an entry in ClinVar:

NM_201384.3(PLEC):c.9929C>T (p.Ala3310Val)

Gene: PLEC (plectin; minus strand). Cytogenetic location: 8q24.3.
Variant type: single nucleotide variant.
Coding change: c.9929C>T on transcript NM_201384.3 (MANE Select); coding-DNA position 9929, C replaced by T.
Protein change: p.Ala3310Val; replaces alanine 3310 with valine.
Molecular consequence: missense variant.
Genome position (GRCh38, 1-based): chr8:143,919,892, G>A on the plus strand (C>T on the coding strand, the complement: PLEC is on the minus strand). VCF-style: chr8-143919892-G-A. GRCh37 (hg19) VCF-style: chr8-144994060-G-A.
Other names: c.10010C>T, p.Ala3337Val (NM_000445.5); c.9887C>T, p.Ala3296Val (NM_201378.4); c.9863C>T, p.Ala3288Val (NM_201379.3); c.10340C>T, p.Ala3447Val (NM_201380.4); c.9833C>T, p.Ala3278Val (NM_201381.3); c.9929C>T, p.Ala3310Val (NM_201382.4); c.9941C>T, p.Ala3314Val (NM_201383.3); short protein forms A3278V, A3288V, A3296V, A3310V, A3314V, A3337V, A3447V.
Identifiers: ClinVar variation 380359 (VCV000380359.61), dbSNP rs183230983, ClinGen allele CA4924810.

ClinVar aggregate classification (germline): Conflicting classifications of pathogenicity. Review status: criteria provided, conflicting classifications (1 of 4 stars). 6 submissions from 6 submitters: Uncertain significance (5); Likely benign (1). Last evaluated 2026-06-01.

Conditions:
PLEC-related disorder. Also called: PLEC-related condition; PLEC-related disorders.
Epidermolysis bullosa simplex 5C, with pyloric atresia (EBS5C). Also called: Epidermolysis bullosa simplex with pyloric atresia; PLEC1-Related Epidermolysis Bullosa with Pyloric Atresia; PLEC-Related Epidermolysis Bullosa with Pyloric Atresia. Identifiers: Orphanet 158684, MedGen C2677349, MONDO:0012807, OMIM 612138.
Autosomal recessive limb-girdle muscular dystrophy type 2Q (LGMDR17). Also called: MUSCULAR DYSTROPHY, LIMB-GIRDLE, AUTOSOMAL RECESSIVE 17. Identifiers: Orphanet 254361, MedGen C3150989, MONDO:0013390, OMIM 613723.
Epidermolysis bullosa simplex 5B, with muscular dystrophy (EBS5B). Also called: Epidermolysis bullosa simplex with muscular dystrophy; EPIDERMOLYSIS BULLOSA SIMPLEX AND LIMB-GIRDLE MUSCULAR DYSTROPHY. Identifiers: Orphanet 257, MedGen C2931072, MONDO:0009181, OMIM 226670.
Epidermolysis bullosa simplex with nail dystrophy (EBS5D). Identifiers: MedGen C4225309, MONDO:0014661, OMIM 616487.
Epidermolysis bullosa simplex, Ogna type (EBS5A). Also called: EPIDERMOLYSIS BULLOSA SIMPLEX 5A, OGNA TYPE; Pidermolysis bullosa simplex 5A, Ogna type. Identifiers: Orphanet 79401, MedGen C0432317, MONDO:0007555, OMIM 131950.
Inborn genetic diseases. Identifiers: MedGen C0950123, MeSH D030342.

Allele frequency attached by ClinVar (database versions not stated): ESP Exome Variant Server 0.00016; TOPMed 0.00018; 1000 Genomes Project 0.00020; gnomAD 0.00021; gnomAD exomes 0.00030 and 0.00031; 1000 Genomes Project 30x 0.00031; ExAC 0.00039.
gnomAD v4.1: 480 of 1,613,100 alleles (0.03%); highest among the groups gnomAD compares: Non-Finnish European, 0.036%; no homozygotes.

Submissions (6):

PreventionGenetics, part of Exact Sciences
Classification: Uncertain significance for PLEC-related condition. Last evaluated: 2026-06-01. Review status: criteria provided, single submitter. Criteria: ACMG Guidelines, 2015. Collection method: clinical testing. Allele origin: germline.
Comment: The PLEC c.10010C>T variant is predicted to result in the amino acid substitution p.Ala3337Val. To our knowledge, this variant has not been reported in the literature. This variant is reported in 0.050% of alleles in individuals of European (Non-Finnish) descent in gnomAD, which may be too frequent to be a primary cause of disease. Although we suspect that this variant may be benign, at this time, the clinical significance of this variant is uncertain due to the absence of conclusive functional and genetic evidence.

Labcorp Genetics (formerly Invitae), Labcorp
Classification: Uncertain significance for Autosomal recessive limb-girdle muscular dystrophy type 2Q; Epidermolysis bullosa simplex, Ogna type; Epidermolysis bullosa simplex with nail dystrophy; Epidermolysis bullosa simplex 5C, with pyloric atresia; Epidermolysis bullosa simplex 5B, with muscular dystrophy. Last evaluated: 2025-12-20. Review status: criteria provided, single submitter. Criteria: Invitae Variant Classification Sherloc (09022015). Collection method: clinical testing. Allele origin: germline.
Comment: This sequence change replaces alanine, which is neutral and non-polar, with valine, which is neutral and non-polar, at codon 3337 of the PLEC protein (p.Ala3337Val). This variant is present in population databases (rs183230983, gnomAD 0.05%). This variant has not been reported in the literature in individuals affected with PLEC-related conditions. ClinVar contains an entry for this variant (Variation ID: 380359). An algorithm developed to predict the effect of missense changes on protein structure and function (PolyPhen-2) suggests that this variant is likely to be disruptive. In summary, the available evidence is currently insufficient to determine the role of this variant in disease. Therefore, it has been classified as a Variant of Uncertain Significance.

Ambry Genetics
Classification: Uncertain significance for Inborn genetic diseases. Last evaluated: 2021-08-10. Review status: criteria provided, single submitter. Criteria: Ambry Variant Classification Scheme 2023. Collection method: clinical testing. Allele origin: germline.

Eurofins Ntd Llc (ga)
Classification: Uncertain significance. Last evaluated: 2017-12-22. Review status: criteria provided, single submitter. Criteria: EGL Classification Definitions 2015. Collection method: clinical testing. Allele origin: germline. Observed: 5 variant alleles, 5 heterozygotes.

GeneDx
Classification: Likely benign. Last evaluated: 2017-05-17. Review status: criteria provided, single submitter. Criteria: GeneDx Variant Classification (06012015). Collection method: clinical testing. Allele origin: germline. Affected: yes.
Comment: This variant is considered likely benign or benign based on one or more of the following criteria: it is a conservative change, it occurs at a poorly conserved position in the protein, it is predicted to be benign by multiple in silico algorithms, and/or has population frequency not consistent with disease.

CeGaT Center for Human Genetics Tuebingen
Classification: Uncertain significance. Last evaluated: 2016-06-01. Review status: criteria provided, single submitter. Criteria: CeGaT Center For Human Genetics Tuebingen Variant Classification Criteria Version 2. Collection method: clinical testing. Allele origin: germline. Affected: yes. Observed: 1 variant allele.